The following is an entry in ClinVar:

NM_000170.3(GLDC):c.2333C>G (p.Pro778Arg)

Gene: GLDC (glycine decarboxylase; minus strand). Cytogenetic location: 9p24.1.
Variant type: single nucleotide variant.
Coding change: c.2333C>G on transcript NM_000170.3 (MANE Select); coding-DNA position 2333, C replaced by G.
Protein change: p.Pro778Arg; replaces proline 778 with arginine.
Molecular consequence: missense variant.
Genome position (GRCh38, 1-based): chr9:6,553,492, G>C on the plus strand (C>G on the coding strand, the complement: GLDC is on the minus strand). VCF-style: chr9-6553492-G-C. GRCh37 (hg19) VCF-style: chr9-6553492-G-C.
Other names: short protein forms P778R.
Identifiers: ClinVar variation 643061 (VCV000643061.9), dbSNP rs754670348, ClinGen allele CA372878994.

ClinVar aggregate classification (germline): Uncertain significance (1 of 4 stars; one submission).

Conditions:
Glycine encephalopathy. Also called: Non-ketotic hyperglycinemia; Nonketotic hyperglycinemia. Identifiers: Orphanet 407, MedGen C0751748, MONDO:0011612, HP:0008288.

gnomAD v4.1: 1 of 1,612,734 alleles (0.000062%); highest among the groups gnomAD compares: Non-Finnish European, 0.000085%; no homozygotes.

Submission:

Labcorp Genetics (formerly Invitae), Labcorp
Classification: Uncertain significance for Glycine encephalopathy. Last evaluated: 2022-11-24. Review status: criteria provided, single submitter. Criteria: Invitae Variant Classification Sherloc (09022015). Collection method: clinical testing. Allele origin: germline.
Comment: ClinVar contains an entry for this variant (Variation ID: 643061). Advanced modeling of protein sequence and biophysical properties (such as structural, functional, and spatial information, amino acid conservation, physicochemical variation, residue mobility, and thermodynamic stability) performed at Invitae indicates that this missense variant is not expected to disrupt GLDC protein function. This variant has not been reported in the literature in individuals affected with GLDC-related conditions. This variant is not present in population databases (gnomAD no frequency). This sequence change replaces proline, which is neutral and non-polar, with arginine, which is basic and polar, at codon 778 of the GLDC protein (p.Pro778Arg). Algorithms developed to predict the effect of sequence changes on RNA splicing suggest that this variant may create or strengthen a splice site. In summary, the available evidence is currently insufficient to determine the role of this variant in disease. Therefore, it has been classified as a Variant of Uncertain Significance.